The following is an entry in ClinVar:

NM_003151.4(STAT4):c.383A>T (p.Glu128Val)

Gene: STAT4 (signal transducer and activator of transcription 4; minus strand). Cytogenetic location: 2q32.2.
Variant type: single nucleotide variant.
Coding change: c.383A>T on transcript NM_003151.4 (MANE Select); coding-DNA position 383, A replaced by T.
Protein change: p.Glu128Val; replaces glutamic acid 128 with valine.
Molecular consequence: missense variant.
Genome position (GRCh38, 1-based): chr2:191,073,180, T>A on the plus strand (A>T on the coding strand, the complement: STAT4 is on the minus strand). VCF-style: chr2-191073180-T-A. GRCh37 (hg19) VCF-style: chr2-191937906-T-A.
Other names: c.383A>T, p.Glu128Val (NM_001243835.2); short protein forms E128V.
Identifiers: ClinVar variation 1026017 (VCV001026017.33), dbSNP rs140675301, ClinGen allele CA2030889.

ClinVar aggregate classification (germline): Conflicting classifications of pathogenicity. Review status: criteria provided, conflicting classifications (1 of 4 stars). 4 submissions from 4 submitters: Uncertain significance (1); Likely benign (2). 1 of the submissions does not count toward it. Last evaluated 2026-08-01.

Conditions:
STAT4-related disorder. Also called: STAT4-related condition.

Allele frequency attached by ClinVar (database versions not stated): gnomAD exomes 0.00096 and 0.00158; gnomAD 0.00111 and 0.00113; ExAC 0.00112; TOPMed 0.00112; ESP Exome Variant Server 0.00154; 1000 Genomes Project 30x 0.00047; 1000 Genomes Project 0.00060.
gnomAD v4.1: 2,451 of 1,613,890 alleles (0.15%); highest among the groups gnomAD compares: Non-Finnish European, 0.19%; 4 homozygotes.

Submissions (4):

CeGaT Center for Human Genetics Tuebingen
Classification: Likely benign. Last evaluated: 2026-08-01. Review status: criteria provided, single submitter. Criteria: CeGaT Center For Human Genetics Tuebingen Variant Classification Criteria Version 2. Collection method: clinical testing. Allele origin: germline. Affected: yes. Observed: 3 variant alleles.
Comment: STAT4: BS1

Labcorp Genetics (formerly Invitae), Labcorp
Classification: Likely benign. Last evaluated: 2026-02-01. Review status: criteria provided, single submitter. Criteria: Invitae Variant Classification Sherloc (09022015). Collection method: clinical testing. Allele origin: germline.

Breakthrough Genomics
Classification: Uncertain significance. Review status: criteria provided, single submitter. Criteria: ACMG Guidelines, 2015. Collection method: not provided. Allele origin: germline. Inheritance: Unknown mechanism. Affected: yes.

PreventionGenetics, part of Exact Sciences
Classification: Likely benign for STAT4-related condition. Last evaluated: 2023-09-13. Review status: no assertion criteria provided. Collection method: clinical testing. Allele origin: germline. Not counted in ClinVar's aggregate classification.
Comment: This variant is classified as likely benign based on ACMG/AMP sequence variant interpretation guidelines (Richards et al. 2015 PMID: 25741868, with internal and published modifications).